The following is an entry in ClinVar:

ClinVar aggregate classification (germline): Benign. Review status: criteria provided, multiple submitters, no conflicts (2 of 4 stars). 3 submissions from 3 submitters: Benign (3). Last evaluated 2018-07-02.

Conditions:
Immunodeficiency 18 (IMD18). Also called: CD3epsilon deficiency; CD3-EPSILON DEFICIENCY. Identifiers: MedGen C3810127, MONDO:0014278, OMIM 615615.

Allele frequency attached by ClinVar (database versions not stated): gnomAD 0.25870 and 0.25571; gnomAD exomes 0.31100; 1000 Genomes Project 30x 0.22845; 1000 Genomes Project 0.22903; TOPMed 0.25879.

Submissions (3):

GeneDx
Classification: Benign. Last evaluated: 2018-07-02. Review status: criteria provided, single submitter. Criteria: GeneDx Variant Classification Process June 2021. Collection method: clinical testing. Allele origin: germline. Affected: yes.

Illumina Laboratory Services, Illumina
Classification: Benign for Immunodeficiency 18. Last evaluated: 2018-01-13. Review status: criteria provided, single submitter. Criteria: ICSL Variant Classification Criteria 13 December 2019. Collection method: clinical testing. Allele origin: germline.
Comment: This variant was observed in the ICSL laboratory as part of a predisposition screen in an ostensibly healthy population. It had not been previously curated by ICSL or reported in the Human Gene Mutation Database (HGMD: prior to June 1st, 2018), and was therefore a candidate for classification through an automated scoring system. Utilizing variant allele frequency, disease prevalence and penetrance estimates, and inheritance mode, an automated score was calculated to assess if this variant is too frequent to cause the disease. Based on the score and internal cut-off values, a variant classified as benign is not then subjected to further curation. The score for this variant resulted in a classification of benign for this disease.

Breakthrough Genomics
Classification: Benign. Review status: criteria provided, single submitter. Criteria: ACMG Guidelines, 2015. Collection method: not provided. Allele origin: germline. Inheritance: Autosomal recessive inheritance. Affected: yes.

NM_000733.3(CD3E):c.-112G>A

Gene: CD3E (CD3 epsilon subunit of T-cell receptor complex; plus strand). Cytogenetic location: 11q23.3.
Variant type: single nucleotide variant.
Coding change: c.-112G>A on transcript NM_000733.3; 112 bases upstream of the start codon, G replaced by A.
Genome position (GRCh38, 1-based): chr11:118,304,724, G>A. VCF-style: chr11-118304724-G-A. GRCh37 (hg19) VCF-style: chr11-118175439-G-A.
Identifiers: ClinVar variation 302657 (VCV000302657.11), dbSNP rs2231440, ClinGen allele CA10633563.